The following is an entry in ClinVar:

NM_001379180.1(ESRRB):c.460+100T>C

Gene: ESRRB (estrogen related receptor beta; plus strand). Cytogenetic location: 14q24.3.
Variant type: single nucleotide variant.
Coding change: c.460+100T>C on transcript NM_001379180.1 (MANE Select); 100 bases into the intron after coding-DNA position 460, T replaced by C.
Molecular consequence: intron variant.
Genome position (GRCh38, 1-based): chr14:76,439,850, T>C. VCF-style: chr14-76439850-T-C. GRCh37 (hg19) VCF-style: chr14-76906193-T-C.
Other names: c.397+100T>C (NM_004452.4).
Identifiers: ClinVar variation 682630 (VCV000682630.2), dbSNP rs45511205, ClinGen allele CA264011457.

ClinVar aggregate classification (germline): Benign. Review status: criteria provided, multiple submitters, no conflicts (2 of 4 stars). 2 submissions from 2 submitters: Benign (2). Last evaluated 2018-06-16.

Allele frequency attached by ClinVar (database versions not stated): gnomAD exomes 0.05090; gnomAD 0.08341 and 0.08390; TOPMed 0.08578; 1000 Genomes Project 30x 0.11665; 1000 Genomes Project 0.11881.
gnomAD v4.1: 73,878 of 1,346,916 alleles (5.5%); highest among the groups gnomAD compares: African/African-American, 18%; 3,066 homozygotes.

Submissions (2):

GeneDx
Classification: Benign. Last evaluated: 2018-06-16. Review status: criteria provided, single submitter. Criteria: GeneDx Variant Classification (06012015). Collection method: clinical testing. Allele origin: germline. Affected: yes.
Comment: This variant is considered likely benign or benign based on one or more of the following criteria: it is a conservative change, it occurs at a poorly conserved position in the protein, it is predicted to be benign by multiple in silico algorithms, and/or has population frequency not consistent with disease.

Breakthrough Genomics
Classification: Benign. Review status: criteria provided, single submitter. Criteria: ACMG Guidelines, 2015. Collection method: not provided. Allele origin: germline. Inheritance: Autosomal recessive inheritance. Affected: yes.